The following is an entry in ClinVar:

ClinVar aggregate classification (germline): Uncertain significance (1 of 4 stars; one submission).

Submission:

Labcorp Genetics (formerly Invitae), Labcorp
Classification: Uncertain significance. Last evaluated: 2025-07-09. Review status: criteria provided, single submitter. Criteria: Invitae Variant Classification Sherloc (09022015). Collection method: clinical testing. Allele origin: germline.
Comment: This sequence change replaces glycine, which is neutral and non-polar, with glutamic acid, which is acidic and polar, at codon 1018 of the COL11A1 protein (p.Gly1018Glu). This variant is not present in population databases (gnomAD no frequency). This variant has not been reported in the literature in individuals affected with COL11A1-related conditions. Invitae Evidence Modeling of protein sequence and biophysical properties (such as structural, functional, and spatial information, amino acid conservation, physicochemical variation, residue mobility, and thermodynamic stability) has been performed for this missense variant. However, the output from this modeling did not meet the statistical confidence thresholds required to predict the impact of this variant on COL11A1 protein function. In summary, the available evidence is currently insufficient to determine the role of this variant in disease. Therefore, it has been classified as a Variant of Uncertain Significance.

NM_001854.4(COL11A1):c.3053G>A (p.Gly1018Glu)

Gene: COL11A1 (collagen type XI alpha 1 chain; minus strand). Cytogenetic location: 1p21.1.
Variant type: single nucleotide variant.
Coding change: c.3053G>A on transcript NM_001854.4 (MANE Select); coding-DNA position 3053, G replaced by A.
Protein change: p.Gly1018Glu; replaces glycine 1018 with glutamic acid.
Molecular consequence: missense variant. On other transcripts: non-coding transcript variant (1).
Genome position (GRCh38, 1-based): chr1:102,962,237, C>T on the plus strand (G>A on the coding strand, the complement: COL11A1 is on the minus strand). VCF-style: chr1-102962237-C-T. GRCh37 (hg19) VCF-style: chr1-103427793-C-T.
Other names: c.2936G>A, p.Gly979Glu (NM_001190709.2); c.3089G>A, p.Gly1030Glu (NM_080629.3); c.2705G>A, p.Gly902Glu (NM_080630.4); short protein forms G1030E, G902E, G1018E, G979E.
Identifiers: ClinVar variation 4730724 (VCV004730724.1).